The following is an entry in ClinVar:

ClinVar aggregate classification (germline): Pathogenic/Likely pathogenic. Review status: criteria provided, multiple submitters, no conflicts (2 of 4 stars). 2 submissions from 2 submitters: Pathogenic (1); Likely pathogenic (1). Last evaluated 2025-11-17.

Conditions:
Cobalamin C disease. Also called: Cobalamin-C methylmalonic acidemia and homocystinuria; Methylmalonic acidemia and homocystinuria cblC type; methylmalonic aciduria and homocystinuria type cblC; Methylmalonic aciduria with homocystinuria cblC type; Methylmalonic aciduria and homocystinuria, Vitamin B12-responsive; Vitamin B12 metabolic defect with combined deficiency of methylmalonyl-CoA mutase and homocysteine:methyltetrahydrofolate methyltransferase. Identifiers: Orphanet 26, Orphanet 79282, MedGen C1848561, MONDO:0010184, OMIM 277400.

Submissions (2):

Myriad Genetics, Inc.
Classification: Pathogenic for Cobalamin C disease. Last evaluated: 2025-11-17. Review status: criteria provided, single submitter. Criteria: Myriad Autosomal Dominant, Autosomal Recessive and X-Linked Classification Criteria (2023). Collection method: clinical testing. Allele origin: unknown.
Comment: NM_015506.2(MMACHC):c.275_276delAG(S93Pfs*11) is a frameshift variant classified as pathogenic in the context of methylmalonic aciduria and homocystinuria, cblC type. S93Pfs*11 has not been observed in cases with relevant disease. Relevant functional assessments of this variant are not available in the literature. S93Pfs*11 has not been observed in referenced population frequency databases. In summary, NM_015506.2(MMACHC):c.275_276delAG(S93Pfs*11) is a frameshift variant in a gene where loss of function is a known mechanism of disease and is predicted to disrupt protein function. Please note: this variant was assessed in the context of healthy population screening.

Natera, Inc.
Classification: Likely pathogenic for Methylmalonic aciduria and homocystinuria cblC type. Last evaluated: 2024-03-25. Review status: criteria provided, single submitter. Criteria: Natera Variant Classification Schema (03/2026). Collection method: clinical testing. Allele origin: germline.
Comment: The c.275_276delAG variant in MMACHC is a frameshift variant predicted to shift the reading frame beginning at codon 93 and leads to a stop codon 11 codons downstream. This variant is expected to result in nonsense mediated decay, truncation, or a dysfunctional protein product. This variant is rare in the general population with a frequency below the threshold expected for the associated phenotype(s). Given the available evidence, this variant is classified as Likely Pathogenic.

NM_015506.3(MMACHC):c.271_272AG[2] (p.Ser93fs)

Gene: MMACHC (metabolism of cobalamin associated C; plus strand). Cytogenetic location: 1p34.1.
Variant type: Microsatellite.
Coding change: c.271_272AG[2] on transcript NM_015506.3 (MANE Select).
Protein change: p.Ser93fs; shifts the reading frame from serine 93.
Molecular consequence: frameshift variant.
Genome position: GRCh38 VCF-style: chr1-45507544-TAG-T. GRCh37 (hg19) VCF-style: chr1-45973216-TAG-T.
Other names: c.100_101AG[2], p.Ser36fs (NM_001330540.2); short protein forms S36fs, S93fs.
Identifiers: ClinVar variation 4815864 (VCV004815864.2).
Genomic context (GRCh38, chr1:45,507,544, plus strand): 5'-CCACCTCCGAATGCTGACTGACCCAGTGGACCAGTGTGTGGCCTACCATCTGGGCCGTGT[TAG>T]AGAGGTGAGGAAGGCTCAGTTTTCCCCCAGCTCCCAAACCTACAGCTGCCTCCAGTTCCT-3'